The following is an entry in ClinVar:

NM_001004334.4(GPR179):c.3699= (p.Leu1233=)

Gene: GPR179 (G protein-coupled receptor 179; minus strand). Cytogenetic location: 17q12.
Variant type: single nucleotide variant.
Coding change: c.3699= on transcript NM_001004334.4 (MANE Select); coding-DNA position 3699, no change from the reference sequence.
Protein change: p.Leu1233=; no amino-acid change (leucine 1233 retained).
Molecular consequence: no sequence alteration.
Genome position: GRCh38 VCF-style: chr17-38329870-C-C. GRCh37 (hg19) VCF-style: chr17-36485753-G-C.
Identifiers: ClinVar variation 322994 (VCV000322994.16), dbSNP rs35803744.
Genomic context (GRCh38, chr17:38,329,870, plus strand): 5'-CGTTTCTGATTCAGTGACCTCCCAGGGGCATACCTCTGCCACCCTGTGGTCAGCGCTGCC[C=]AGGGACTGGAGGCCAGCTTTGGGCAGTTCCTGCCACCCGACAGGGGTTTCTTTTGATTGC-3'
Protein context (NP_001004334.3, residues 1223-1243): QELPKAGLQS[Leu1233=]GSADHRVAEV

ClinVar aggregate classification (germline): Benign. Review status: criteria provided, multiple submitters, no conflicts (2 of 4 stars). 3 submissions from 3 submitters: Benign (3). Last evaluated 2026-02-03.

Conditions:
Congenital stationary night blindness 1E. Also called: Night blindness, congenital stationary (complete), 1E, autosomal recessive. Identifiers: Orphanet 215, MedGen C3281215, MONDO:0013807, OMIM 614565.

Allele frequency attached by ClinVar (database versions not stated): 1000 Genomes Project 30x 0.31605; TOPMed 0.32186.

Submissions (3):

Labcorp Genetics (formerly Invitae), Labcorp
Classification: Benign. Last evaluated: 2026-02-03. Review status: criteria provided, single submitter. Criteria: Invitae Variant Classification Sherloc (09022015). Collection method: clinical testing. Allele origin: germline.

Illumina Laboratory Services, Illumina
Classification: Benign for Congenital stationary night blindness 1E. Last evaluated: 2018-01-12. Review status: criteria provided, single submitter. Criteria: ICSL Variant Classification Criteria 13 December 2019. Collection method: clinical testing. Allele origin: germline.
Comment: This variant was observed in the ICSL laboratory as part of a predisposition screen in an ostensibly healthy population. It had not been previously curated by ICSL or reported in the Human Gene Mutation Database (HGMD: prior to June 1st, 2018), and was therefore a candidate for classification through an automated scoring system. Utilizing variant allele frequency, disease prevalence and penetrance estimates, and inheritance mode, an automated score was calculated to assess if this variant is too frequent to cause the disease. Based on the score and internal cut-off values, a variant classified as benign is not then subjected to further curation. The score for this variant resulted in a classification of benign for this disease.

Breakthrough Genomics
Classification: Benign. Review status: criteria provided, single submitter. Criteria: ACMG Guidelines, 2015. Collection method: not provided. Allele origin: germline. Inheritance: Autosomal recessive inheritance. Affected: yes.